The following is an entry in ClinVar:

ClinVar aggregate classification (germline): Uncertain significance (1 of 4 stars; one submission).

Conditions:
Familial cancer of breast. Also called: Hereditary breast cancer; BREAST CANCER, FAMILIAL; hereditary breast carcinoma. Identifiers: Orphanet 227535, MedGen C0346153, MONDO:0016419, OMIM 114480. Disease mechanism: loss of function.

Submission:

Labcorp Genetics (formerly Invitae), Labcorp
Classification: Uncertain significance for Familial cancer of breast. Last evaluated: 2022-09-22. Review status: criteria provided, single submitter. Criteria: Invitae Variant Classification Sherloc (09022015). Collection method: clinical testing. Allele origin: germline.
Comment: In summary, the available evidence is currently insufficient to determine the role of this variant in disease. Therefore, it has been classified as a Variant of Uncertain Significance. This variant has not been reported in the literature in individuals affected with PALB2-related conditions. This variant results in a copy number gain of the genomic region encompassing exon(s) 1-12 of the PALB2 gene. This region includes the initiator codon of the gene. This copy number gain extends beyond the assayed region for this gene and therefore may encompass additional genes. As the precise location of this event is unknown, it may be in tandem or it may be located elsewhere in the genome.

NC_000016.9:g.(?_23619175)_(23652478_?)dup

Gene: PALB2 (partner and localizer of BRCA2; minus strand). Cytogenetic location: 16p12.2.
Variant type: Duplication.
Identifiers: ClinVar variation 2426861 (VCV002426861.4).